The following is an entry in ClinVar:

NM_000277.3(PAH):c.794G>A (p.Cys265Tyr)

Gene: PAH (phenylalanine hydroxylase; minus strand). Cytogenetic location: 12q23.2.
Variant type: single nucleotide variant.
Coding change: c.794G>A on transcript NM_000277.3 (MANE Select); coding-DNA position 794, G replaced by A.
Protein change: p.Cys265Tyr; replaces cysteine 265 with tyrosine.
Molecular consequence: missense variant.
Genome position (GRCh38, 1-based): chr12:102,852,863, C>T on the plus strand (G>A on the coding strand, the complement: PAH is on the minus strand). VCF-style: chr12-102852863-C-T. GRCh37 (hg19) VCF-style: chr12-103246641-C-T.
Other names: NM_000277.2(PAH):c.794G>A; p.Cys265Tyr; c.794G>A, p.Cys265Tyr (NM_001354304.2); c.794G>A (NM_000277.2); short protein forms C265Y.
Identifiers: ClinVar variation 102836 (VCV000102836.11), dbSNP rs62507335, ClinGen allele CA229763.
Genomic context (GRCh38, chr12:102,852,863, plus strand): 5'-GACAGTACTCACGGTTCGGGGGTATACATGGGCTTGGATCCATGTCTGATGTACTGTGTG[C>T]AGTGGAAGACTCGGAAGGCCAGGCCACCCAAGAAATCCCGAGAGGAAAGCAGGCCAGCCA-3'
Protein context (NP_000268.1, residues 255-275): LGGLAFRVFH[Cys265Tyr]TQYIRHGSKP

ClinVar aggregate classification (germline): Likely pathogenic. Review status: reviewed by expert panel (3 of 4 stars). 5 submissions from 5 submitters: Likely pathogenic (1). 4 of the submissions do not count toward it. Last evaluated 2022-02-25.

Conditions:
Phenylketonuria (PKU). Also called: Phenylketonuria (PKU); FOLLING DISEASE; OLIGOPHRENIA PHENYLPYRUVICA; Phenylketonurias. Identifiers: Orphanet 716, MedGen C0031485, MONDO:0009861, OMIM 261600. Disease mechanism: loss of function.

Submissions (5):

ClinGen PAH Variant Curation Expert Panel
Classification: Likely pathogenic for Phenylketonuria. Last evaluated: 2022-02-25. Review status: reviewed by expert panel. Criteria: ClinGen PAH ACMG Specifications v1. Collection method: curation. Allele origin: germline. Inheritance: Autosomal recessive inheritance.
Comment: This variant is absent from population databases. Multiple lines of computational evidence support a deleterious effect. PAH activity in COS cell expression system was 0% (PMID: 9860305). In summary, this variant meets the criteria to be classified as Likely pathogenic for PAH deficiency based on the ACMG/AMP criteria applied, as specified by the ClinGen PAH VCEP: PP4_moderate, PM2, PS3_supporting, PP3.

Women's Health and Genetics/Laboratory Corporation of America, LabCorp
Classification: Pathogenic for Phenylketonuria. Last evaluated: 2025-11-13. Review status: criteria provided, single submitter. Criteria: LabCorp Variant Classification Summary - May 2015. Collection method: clinical testing. Allele origin: germline. Not counted in ClinVar's aggregate classification.
Comment: Variant summary: PAH c.794G>A (p.Cys265Tyr) results in a non-conservative amino acid change in the encoded protein sequence. Algorithms developed to predict the effect of missense changes on protein structure and function all suggest that this variant is likely to be disruptive. The variant was absent in 251370 control chromosomes. c.794G>A has been observed in individual(s) affected with Phenylalanine Hydroxylase Deficiency (Phenylketonuria) (e.g. Okano_1998, Hillert_2020, Odagiri_2021). These data indicate that the variant may be associated with disease. At least one publication reports experimental evidence evaluating an impact on protein function. The most pronounced variant effect results in 0% of normal PAH activity in COS cells (Okano_1998). The following publications have been ascertained in the context of this evaluation (PMID: 32668217, 33803550, 9860305). ClinVar contains an entry for this variant (Variation ID: 102836). Based on the evidence outlined above, the variant was classified as pathogenic.

Natera, Inc.
Classification: Likely pathogenic for Phenylketonuria. Last evaluated: 2024-12-16. Review status: criteria provided, single submitter. Criteria: Natera Variant Classification Schema (03/2026). Collection method: clinical testing. Allele origin: germline. Not counted in ClinVar's aggregate classification.
Comment: The c.794G>A variant in PAH is a missense variant predicted to cause substitution of cysteine to tyrosine at amino acid 265. This variant is rare in the general population with a frequency below the threshold expected for the associated phenotype(s). This variant has been observed in one or more individuals affected with the associated recessive disease, as either homozygous or compound heterozygous with a second variant (PMID: 29390883, 33803550). Functional studies show that this variant may disrupt protein function (PMID: 9860305). Computational prediction algorithms indicate this variant is likely to affect gene or protein function. Given the available evidence, this variant is classified as Likely Pathogenic.

Labcorp Genetics (formerly Invitae), Labcorp
Classification: Pathogenic for Phenylketonuria. Last evaluated: 2024-08-21. Review status: criteria provided, single submitter. Criteria: Invitae Variant Classification Sherloc (09022015). Collection method: clinical testing. Allele origin: germline. Not counted in ClinVar's aggregate classification.
Comment: This sequence change replaces cysteine, which is neutral and slightly polar, with tyrosine, which is neutral and polar, at codon 265 of the PAH protein (p.Cys265Tyr). This variant is not present in population databases (gnomAD no frequency). This missense change has been observed in individual(s) with phenylketonuria (PMID: 32668217; BIOPKU). In at least one individual the data is consistent with being in trans (on the opposite chromosome) from a pathogenic variant. ClinVar contains an entry for this variant (Variation ID: 102836). Invitae Evidence Modeling of protein sequence and biophysical properties (such as structural, functional, and spatial information, amino acid conservation, physicochemical variation, residue mobility, and thermodynamic stability) indicates that this missense variant is not expected to disrupt PAH protein function with a negative predictive value of 80%. Experimental studies have shown that this missense change affects PAH function (PMID: 9860305). For these reasons, this variant has been classified as Pathogenic.

DeBelle Laboratory for Biochemical Genetics, MUHC/MCH RESEARCH INSTITUTE
No classification provided. Review status: no classification provided. Collection method: not provided. Allele origin: not provided. Not counted in ClinVar's aggregate classification.

Literature cited by the submitters: PubMed 9860305 (cited by 3 submitters); PubMed 32668217 (cited by Women's Health and Genetics/Laboratory Corporation of America, LabCorp and Labcorp Genetics (formerly Invitae), Labcorp); PubMed 33803550 (cited by Women's Health and Genetics/Laboratory Corporation of America, LabCorp and Natera, Inc.); PubMed 29390883 (cited by Natera, Inc.).